The following is an entry in ClinVar:

ClinVar aggregate classification (germline): Uncertain significance. Review status: criteria provided, multiple submitters, no conflicts (2 of 4 stars). 3 submissions from 3 submitters: Uncertain significance (3). Last evaluated 2024-11-18.

Conditions:
Familial thoracic aortic aneurysm and aortic dissection (TAAD). Also called: Thoracic aortic aneurysms and dissections. Identifiers: Orphanet 91387, MedGen C4707243, MONDO:0019625.
Marfan syndrome (MFS). Also called: Marfan syndrome, classic; Marfan syndrome type 1; Marfan's syndrome; FBN1-Related Marfan Syndrome; MARFAN SYNDROME, TYPE I. Identifiers: Orphanet 284963, Orphanet 558, MedGen C0024796, MONDO:0007947, OMIM 154700.

Allele frequency attached by ClinVar (database versions not stated): gnomAD 0.00001; gnomAD exomes below 0.00001; TOPMed below 0.00001.
gnomAD v4.1: 6 of 1,613,714 alleles (0.00037%); highest among the groups gnomAD compares: Middle Eastern, 0.05%; no homozygotes.

Submissions (3):

Labcorp Genetics (formerly Invitae), Labcorp
Classification: Uncertain significance for Marfan syndrome; Familial thoracic aortic aneurysm and aortic dissection. Last evaluated: 2024-11-18. Review status: criteria provided, single submitter. Criteria: Invitae Variant Classification Sherloc (09022015). Collection method: clinical testing. Allele origin: germline.
Comment: This sequence change replaces leucine, which is neutral and non-polar, with valine, which is neutral and non-polar, at codon 406 of the FBN1 protein (p.Leu406Val). This variant is not present in population databases (gnomAD no frequency). This variant has not been reported in the literature in individuals affected with FBN1-related conditions. ClinVar contains an entry for this variant (Variation ID: 922145). Invitae Evidence Modeling of protein sequence and biophysical properties (such as structural, functional, and spatial information, amino acid conservation, physicochemical variation, residue mobility, and thermodynamic stability) indicates that this missense variant is not expected to disrupt FBN1 protein function with a negative predictive value of 95%. In summary, the available evidence is currently insufficient to determine the role of this variant in disease. Therefore, it has been classified as a Variant of Uncertain Significance.

GeneDx
Classification: Uncertain significance. Last evaluated: 2020-01-02. Review status: criteria provided, single submitter. Criteria: GeneDx Variant Classification Process June 2021. Collection method: clinical testing. Allele origin: germline. Affected: yes.
Comment: Has not been previously published as pathogenic or benign to our knowledge; Not observed in large population cohorts (Lek et al., 2016); In silico analysis, which includes protein predictors and evolutionary conservation, supports that this variant does not alter protein structure/function; Does not affect a cysteine residue within a calcium-binding EGF-like domain of the FBN1 gene; cysteine substitutions in the calcium-binding EGF-like domains represent the majority of pathogenic missense changes associated with FBN1 related disorders (Collod-Beroud et al., 2003).

Color Diagnostics, LLC DBA Color Health
Classification: Uncertain significance for Familial thoracic aortic aneurysm and aortic dissection. Last evaluated: 2019-10-21. Review status: criteria provided, single submitter. Criteria: ACMG Guidelines, 2015. Collection method: clinical testing. Allele origin: germline.
Comment: This missense variant replaces leucine with valine at codon 406 of the FBN1 protein. Computational prediction suggests that this variant may not impact protein structure and function (internally defined REVEL score threshold <= 0.5, PMID: 27666373). Splice site prediction tools suggest that this variant may not impact RNA splicing. To our knowledge, functional studies have not been performed for this variant. This variant has not been reported in individuals affected with cardiovascular disorders in the literature. This variant has not been identified in the general population by the Genome Aggregation Database (gnomAD). The available evidence is insufficient to determine the role of this variant in disease conclusively. Therefore, this variant is classified as a Variant of Uncertain Significance.

NM_000138.5(FBN1):c.1216C>G (p.Leu406Val)

Gene: FBN1 (fibrillin 1; minus strand). Cytogenetic location: 15q21.1.
Variant type: single nucleotide variant.
Coding change: c.1216C>G on transcript NM_000138.5 (MANE Select); coding-DNA position 1216, C replaced by G.
Protein change: p.Leu406Val; replaces leucine 406 with valine.
Molecular consequence: missense variant.
Genome position (GRCh38, 1-based): chr15:48,516,294, G>C on the plus strand (C>G on the coding strand, the complement: FBN1 is on the minus strand). VCF-style: chr15-48516294-G-C. GRCh37 (hg19) VCF-style: chr15-48808491-G-C.
Other names: short protein forms L406V.
Identifiers: ClinVar variation 922145 (VCV000922145.8), dbSNP rs1257581073, ClinGen allele CA392345603.